The following is an entry in ClinVar:

NM_000307.5(POU3F4):c.59C>T (p.Ala20Val)

Gene: POU3F4 (POU class 3 homeobox 4; plus strand). Cytogenetic location: Xq21.1.
Variant type: single nucleotide variant.
Coding change: c.59C>T on transcript NM_000307.5 (MANE Select); coding-DNA position 59, C replaced by T.
Protein change: p.Ala20Val; replaces alanine 20 with valine.
Molecular consequence: missense variant.
Genome position (GRCh38, 1-based): chrX:83,508,383, C>T. VCF-style: chrX-83508383-C-T. GRCh37 (hg19) VCF-style: chrX-82763391-C-T.
Other names: short protein forms A20V.
Identifiers: ClinVar variation 2098762 (VCV002098762.4), dbSNP rs755424605, ClinGen allele CA332228309.

ClinVar aggregate classification (germline): Uncertain significance (1 of 4 stars; one submission).

Allele frequency attached by ClinVar (database versions not stated): TOPMed 0.00002.

Submission:

Labcorp Genetics (formerly Invitae), Labcorp
Classification: Uncertain significance. Last evaluated: 2022-02-18. Review status: criteria provided, single submitter. Criteria: Invitae Variant Classification Sherloc (09022015). Collection method: clinical testing. Allele origin: germline.
Comment: This sequence change replaces alanine, which is neutral and non-polar, with valine, which is neutral and non-polar, at codon 20 of the POU3F4 protein (p.Ala20Val). This variant is not present in population databases (gnomAD no frequency). This variant has not been reported in the literature in individuals affected with POU3F4-related conditions. Algorithms developed to predict the effect of missense changes on protein structure and function are either unavailable or do not agree on the potential impact of this missense change (SIFT: "Deleterious"; PolyPhen-2: "Benign"; Align-GVGD: "Class C0"). In summary, the available evidence is currently insufficient to determine the role of this variant in disease. Therefore, it has been classified as a Variant of Uncertain Significance.